The following is an entry in ClinVar:

ClinVar aggregate classification (germline): Likely benign. Review status: criteria provided, single submitter (1 of 4 stars). 2 submissions from 2 submitters: Likely benign (1). 1 of the submissions does not count toward it. Last evaluated 2024-04-05.

Conditions:
Spondylodysplastic Ehlers-Danlos syndrome. Identifiers: Orphanet 536471, Orphanet 75496, MedGen C5680154, MONDO:0007526.
B4GALT7-related disorder. Also called: B4GALT7-related condition.

Allele frequency attached by ClinVar (database versions not stated): ExAC 0.00001; gnomAD 0.00001.
gnomAD v4.1: 7 of 1,613,622 alleles (0.00043%); highest among the groups gnomAD compares: South Asian, 0.0011%; no homozygotes.

Submissions (2):

Labcorp Genetics (formerly Invitae), Labcorp
Classification: Likely benign for Spondylodysplastic Ehlers-Danlos syndrome. Last evaluated: 2024-04-05. Review status: criteria provided, single submitter. Criteria: Invitae Variant Classification Sherloc (09022015). Collection method: clinical testing. Allele origin: germline.

PreventionGenetics, part of Exact Sciences
Classification: Likely benign for B4GALT7-related condition. Last evaluated: 2022-05-11. Review status: no assertion criteria provided. Collection method: clinical testing. Allele origin: germline. Not counted in ClinVar's aggregate classification.
Comment: This variant is classified as likely benign based on ACMG/AMP sequence variant interpretation guidelines (Richards et al. 2015 PMID: 25741868, with internal and published modifications).

NM_007255.3(B4GALT7):c.105C>T (p.Phe35=)

Gene: B4GALT7 (beta-1,4-galactosyltransferase 7; plus strand). Cytogenetic location: 5q35.3.
Variant type: single nucleotide variant.
Coding change: c.105C>T on transcript NM_007255.3 (MANE Select); coding-DNA position 105, C replaced by T.
Protein change: p.Phe35=; no amino-acid change (phenylalanine 35 retained).
Molecular consequence: synonymous variant.
Genome position (GRCh38, 1-based): chr5:177,604,233, C>T. VCF-style: chr5-177604233-C-T. GRCh37 (hg19) VCF-style: chr5-177031234-C-T.
Other names: c.105C>T (NM_007255.2).
Identifiers: ClinVar variation 3022770 (VCV003022770.5), dbSNP rs761984181, ClinGen allele CA3586379.